The following is an entry in ClinVar:

ClinVar aggregate classification (germline): Uncertain significance. Review status: criteria provided, multiple submitters, no conflicts (2 of 4 stars). 2 submissions from 2 submitters: Uncertain significance (2). Last evaluated 2025-05-12.

Conditions:
Inborn genetic diseases. Identifiers: MedGen C0950123, MeSH D030342.

gnomAD v4.1: 8 of 1,611,906 alleles (0.0005%); highest among the groups gnomAD compares: Non-Finnish European, 0.00051%; no homozygotes.

Submissions (2):

Women's Health and Genetics/Laboratory Corporation of America, LabCorp
Classification: Uncertain significance. Last evaluated: 2025-05-12. Review status: criteria provided, single submitter. Criteria: LabCorp Variant Classification Summary - May 2015. Collection method: clinical testing. Allele origin: germline.
Comment: Variant summary: KDM3B c.571T>C (p.Phe191Leu) results in a non-conservative amino acid change in the encoded protein sequence. Algorithms developed to predict the effect of missense changes on protein structure and function are either unavailable or do not agree on the potential impact of this missense change. The variant was absent in 251308 control chromosomes. The available data on variant occurrences in the general population are insufficient to allow any conclusion about variant significance. To our knowledge, no occurrence of c.571T>C in individuals affected with KDM3B-Related Disorders and no experimental evidence demonstrating its impact on protein function have been reported. No submitters have cited clinical-significance assessments for this variant to ClinVar. Based on the evidence outlined above, the variant was classified as uncertain significance.

Ambry Genetics
Classification: Uncertain significance for Inborn genetic diseases. Last evaluated: 2025-03-20. Review status: criteria provided, single submitter. Criteria: Ambry Variant Classification Scheme 2023. Collection method: clinical testing. Allele origin: germline.

NM_016604.4(KDM3B):c.571T>C (p.Phe191Leu)

Gene: KDM3B (lysine demethylase 3B; plus strand). Cytogenetic location: 5q31.2.
Variant type: single nucleotide variant.
Coding change: c.571T>C on transcript NM_016604.4 (MANE Select); coding-DNA position 571, T replaced by C.
Protein change: p.Phe191Leu; replaces phenylalanine 191 with leucine.
Molecular consequence: missense variant.
Genome position (GRCh38, 1-based): chr5:138,377,816, T>C. VCF-style: chr5-138377816-T-C. GRCh37 (hg19) VCF-style: chr5-137713505-T-C.
Other names: c.571T>C (NM_016604.3); short protein forms F191L.
Identifiers: ClinVar variation 3902299 (VCV003902299.2).